The following is an entry in ClinVar:

ClinVar aggregate classification (germline): Uncertain significance (1 of 4 stars; one submission).

Conditions:
Amyotrophic lateral sclerosis type 1 (ALS1). Also called: AMYOTROPHIC LATERAL SCLEROSIS 1, FAMILIAL. Identifiers: Orphanet 803, MedGen C1862939, MONDO:0007103, OMIM 105400.
Neuronopathy, distal hereditary motor, type 7B. Also called: HMN VIIB; LOWER MOTOR NEURON DISEASE, DYNACTIN TYPE; NEURONOPATHY, DISTAL HEREDITARY MOTOR, AUTOSOMAL DOMINANT 14; NEURONOPATHY, DISTAL HEREDITARY MOTOR, HARDING TYPE VIIB; NEUROPATHY, DISTAL HEREDITARY MOTOR, HARDING TYPE VIIB; NEUROPATHY, DISTAL HEREDITARY MOTOR, WITH VOCAL CORD PARALYSIS, HARDING TYPE VIIB. Identifiers: Orphanet 139589, MedGen C1843315, MONDO:0011879, OMIM 607641.
Perry syndrome. Also called: PARKINSONISM WITH ALVEOLAR HYPOVENTILATION AND MENTAL DEPRESSION. Identifiers: Orphanet 178509, MedGen C1868594, MONDO:0008201, OMIM 168605.

Allele frequency attached by ClinVar (database versions not stated): gnomAD exomes below 0.00001; ExAC 0.00001.
gnomAD v4.1: 1 of 1,614,264 alleles (0.000062%); highest among the groups gnomAD compares: Admixed American, 0.0017%; no homozygotes.

Submission:

Labcorp Genetics (formerly Invitae), Labcorp
Classification: Uncertain significance for Amyotrophic lateral sclerosis type 1; Neuronopathy, distal hereditary motor, type 7B; Perry syndrome. Last evaluated: 2023-01-02. Review status: criteria provided, single submitter. Criteria: Invitae Variant Classification Sherloc (09022015). Collection method: clinical testing. Allele origin: germline.
Comment: In summary, the available evidence is currently insufficient to determine the role of this variant in disease. Therefore, it has been classified as a Variant of Uncertain Significance. Advanced modeling of protein sequence and biophysical properties (such as structural, functional, and spatial information, amino acid conservation, physicochemical variation, residue mobility, and thermodynamic stability) performed at Invitae indicates that this missense variant is expected to disrupt DCTN1 protein function. This variant has not been reported in the literature in individuals affected with DCTN1-related conditions. This variant is present in population databases (rs72466487, gnomAD 0.004%). This sequence change replaces glutamine, which is neutral and polar, with arginine, which is basic and polar, at codon 74 of the DCTN1 protein (p.Gln74Arg).

NM_004082.5(DCTN1):c.221A>G (p.Gln74Arg)

Gene: DCTN1 (dynactin subunit 1; minus strand). Cytogenetic location: 2p13.1.
Variant type: single nucleotide variant.
Coding change: c.221A>G on transcript NM_004082.5 (MANE Select); coding-DNA position 221, A replaced by G.
Protein change: p.Gln74Arg; replaces glutamine 74 with arginine.
Molecular consequence: missense variant. On other transcripts: non-coding transcript variant (1).
Genome position (GRCh38, 1-based): chr2:74,378,058, T>C on the plus strand (A>G on the coding strand, the complement: DCTN1 is on the minus strand). VCF-style: chr2-74378058-T-C. GRCh37 (hg19) VCF-style: chr2-74605185-T-C.
Other names: c.221A>G, p.Gln74Arg (NM_001135040.3, NM_001190837.2); c.170A>G, p.Gln57Arg (NM_001190836.2, NM_001378991.1, NM_001378992.1); short protein forms Q57R, Q74R.
Identifiers: ClinVar variation 2942905 (VCV002942905.3), dbSNP rs72466487, ClinGen allele CA1722591.
Genomic context (GRCh38, chr2:74,378,058, plus strand): 5'-ACCTGGGACTGGCGCACAAAGATGCCATGCCCTTCATCACAAGTGAAGTACTTCCTGCCT[T>C]GAACAGTTCCATCATTTTTGCCCTTTGCTTCATCCAGAATCACGCCTACCCATTTGCCAG-3'
Protein context (NP_004073.2, residues 64-84): EAKGKNDGTV[Gln74Arg]GRKYFTCDEG